The following is an entry in ClinVar:

NC_000011.10:g.47346380G>C

Gene: MYBPC3 (myosin binding protein C3; minus strand). Cytogenetic location: 11p11.2.
Variant type: single nucleotide variant.
Genome position: GRCh38 VCF-style: chr11-47346380-G-C. GRCh37 (hg19) VCF-style: chr11-47367931-G-C.
Other names: c.927-10C>G (LRG_386t1, NM_000256.3).
Identifiers: ClinVar variation 385650 (VCV000385650.5), dbSNP rs201078659, ClinGen allele CA16606329.
Genomic context (GRCh38, chr11:47,346,380, plus strand): 5'-CGTAGGATCTCCCACACGTCCTCCTCTGCTGGTGCCTCCAGCTTCGAGTCCCTGTGTCCC[G>C]CAGTCTAGGCTGTGGCCGGGGGCAAGACTGCAGCCCCCTGGGCGGGGCTTCCTGGGCCCA-3'

ClinVar aggregate classification (germline): Likely benign. Review status: criteria provided, multiple submitters, no conflicts (2 of 4 stars). 2 submissions from 2 submitters: Likely benign (2). Last evaluated 2024-11-03.

Conditions:
Hypertrophic cardiomyopathy. Also called: HYPERTROPHIC MYOCARDIOPATHY. Identifiers: Orphanet 217569, MedGen C0007194, MeSH D002312, MONDO:0005045, HP:0001639.

gnomAD v4.1: 9 of 1,559,886 alleles (0.00058%); highest among the groups gnomAD compares: Admixed American, 0.011%; no homozygotes.

Submissions (2):

Labcorp Genetics (formerly Invitae), Labcorp
Classification: Likely benign for Hypertrophic cardiomyopathy. Last evaluated: 2024-11-03. Review status: criteria provided, single submitter. Criteria: Invitae Variant Classification Sherloc (09022015). Collection method: clinical testing. Allele origin: germline.

GeneDx
Classification: Likely benign. Last evaluated: 2016-04-21. Review status: criteria provided, single submitter. Criteria: GeneDx Variant Classification (06012015). Collection method: clinical testing. Allele origin: germline. Affected: yes.
Comment: This variant is considered likely benign or benign based on one or more of the following criteria: it is a conservative change, it occurs at a poorly conserved position in the protein, it is predicted to be benign by multiple in silico algorithms, and/or has population frequency not consistent with disease.